The following is an entry in ClinVar:

NM_206933.4(USH2A):c.13536C>A (p.Ser4512Arg)

Gene: USH2A (usherin; minus strand). Cytogenetic location: 1q41.
Variant type: single nucleotide variant.
Coding change: c.13536C>A on transcript NM_206933.4 (MANE Select); coding-DNA position 13536, C replaced by A.
Protein change: p.Ser4512Arg; replaces serine 4512 with arginine.
Molecular consequence: missense variant.
Genome position (GRCh38, 1-based): chr1:215,674,375, G>T on the plus strand (C>A on the coding strand, the complement: USH2A is on the minus strand). VCF-style: chr1-215674375-G-T. GRCh37 (hg19) VCF-style: chr1-215847717-G-T.
Other names: short protein forms S4512R.
Identifiers: ClinVar variation 2024279 (VCV002024279.1), dbSNP rs2464894751, ClinGen allele CA344844771.

ClinVar aggregate classification (germline): Uncertain significance (1 of 4 stars; one submission).

Submission:

Labcorp Genetics (formerly Invitae), Labcorp
Classification: Uncertain significance. Last evaluated: 2021-12-02. Review status: criteria provided, single submitter. Criteria: Invitae Variant Classification Sherloc (09022015). Collection method: clinical testing. Allele origin: germline.
Comment: This sequence change replaces serine, which is neutral and polar, with arginine, which is basic and polar, at codon 4512 of the USH2A protein (p.Ser4512Arg). This variant is not present in population databases (gnomAD no frequency). This variant has not been reported in the literature in individuals affected with USH2A-related conditions. Algorithms developed to predict the effect of missense changes on protein structure and function (SIFT, PolyPhen-2, Align-GVGD) all suggest that this variant is likely to be tolerated. In summary, the available evidence is currently insufficient to determine the role of this variant in disease. Therefore, it has been classified as a Variant of Uncertain Significance.